The following is an entry in ClinVar:

ClinVar aggregate classification (germline): Benign/Likely benign. Review status: criteria provided, multiple submitters, no conflicts (2 of 4 stars). 5 submissions from 5 submitters: Benign (3); Likely benign (1). 1 of the submissions does not count toward it. Last evaluated 2026-01-08.

Conditions:
RHOBTB2-related disorder. Also called: RHOBTB2-related condition.

Allele frequency attached by ClinVar (database versions not stated): gnomAD 0.00024 and 0.00025; ESP Exome Variant Server 0.00038; gnomAD exomes 0.00084 and 0.00044; ExAC 0.00071.
gnomAD v4.1: 729 of 1,614,188 alleles (0.045%); highest among the groups gnomAD compares: South Asian, 0.22%; 6 homozygotes.

Submissions (5):

Labcorp Genetics (formerly Invitae), Labcorp
Classification: Benign. Last evaluated: 2026-01-08. Review status: criteria provided, single submitter. Criteria: Invitae Variant Classification Sherloc (09022015). Collection method: clinical testing. Allele origin: germline.

CeGaT Center for Human Genetics Tuebingen
Classification: Benign. Last evaluated: 2025-06-01. Review status: criteria provided, single submitter. Criteria: CeGaT Center For Human Genetics Tuebingen Variant Classification Criteria Version 2. Collection method: clinical testing. Allele origin: germline. Affected: yes. Observed: 2 variant alleles.
Comment: RHOBTB2: BS1, BS2

Blueprint Genetics
Classification: Likely benign. Last evaluated: 2024-11-07. Review status: criteria provided, single submitter. Criteria: ACMG Guidelines, 2015. Collection method: clinical testing. Allele origin: germline.

Breakthrough Genomics
Classification: Benign. Review status: criteria provided, single submitter. Criteria: ACMG Guidelines, 2015. Collection method: not provided. Allele origin: germline. Inheritance: Autosomal dominant inheritance. Affected: yes.

PreventionGenetics, part of Exact Sciences
Classification: Benign for RHOBTB2-related condition. Last evaluated: 2019-07-12. Review status: no assertion criteria provided. Collection method: clinical testing. Allele origin: germline. Not counted in ClinVar's aggregate classification.
Comment: This variant is classified as benign based on ACMG/AMP sequence variant interpretation guidelines (Richards et al. 2015 PMID: 25741868, with internal and published modifications).

NM_015178.3(RHOBTB2):c.1180G>A (p.Val394Met)

Gene: RHOBTB2 (Rho related BTB domain containing 2; plus strand). Cytogenetic location: 8p21.3.
Variant type: single nucleotide variant.
Coding change: c.1180G>A on transcript NM_015178.3 (MANE Select); coding-DNA position 1180, G replaced by A.
Protein change: p.Val394Met; replaces valine 394 with methionine.
Molecular consequence: missense variant.
Genome position (GRCh38, 1-based): chr8:23,007,425, G>A. VCF-style: chr8-23007425-G-A. GRCh37 (hg19) VCF-style: chr8-22864938-G-A.
Other names: c.1246G>A (NM_001160036.1); c.1246G>A, p.Val416Met (NM_001160036.2); c.1201G>A, p.Val401Met (NM_001160037.2); c.1180G>A, p.Val394Met (NM_001374791.1); short protein forms V394M, V401M, V416M.
Identifiers: ClinVar variation 1648690 (VCV001648690.33), dbSNP rs146017675, ClinGen allele CA4672626.